The following is an entry in ClinVar:

NM_003922.4(HERC1):c.6864C>T (p.Leu2288=)

Gene: HERC1 (HECT and RLD domain containing E3 ubiquitin protein ligase family member 1; minus strand). Cytogenetic location: 15q22.31.
Variant type: single nucleotide variant.
Coding change: c.6864C>T on transcript NM_003922.4 (MANE Select); coding-DNA position 6864, C replaced by T.
Protein change: p.Leu2288=; no amino-acid change (leucine 2288 retained).
Molecular consequence: synonymous variant.
Genome position (GRCh38, 1-based): chr15:63,678,051, G>A on the plus strand (C>T on the coding strand, the complement: HERC1 is on the minus strand). VCF-style: chr15-63678051-G-A. GRCh37 (hg19) VCF-style: chr15-63970250-G-A.
Identifiers: ClinVar variation 711156 (VCV000711156.22), dbSNP rs114554616, ClinGen allele CA7605265.

ClinVar aggregate classification (germline): Benign/Likely benign. Review status: criteria provided, multiple submitters, no conflicts (2 of 4 stars). 3 submissions from 3 submitters: Benign (2); Likely benign (1). Last evaluated 2026-01-09.

Allele frequency attached by ClinVar (database versions not stated): gnomAD exomes 0.00032; ExAC 0.00038; gnomAD 0.00096; TOPMed 0.00124; ESP Exome Variant Server 0.00136; 1000 Genomes Project 0.00200; 1000 Genomes Project 30x 0.00203.
gnomAD v4.1: 431 of 1,614,014 alleles (0.027%); highest among the groups gnomAD compares: African/African-American, 0.48%; 1 homozygote.

Submissions (3):

Labcorp Genetics (formerly Invitae), Labcorp
Classification: Benign. Last evaluated: 2026-01-09. Review status: criteria provided, single submitter. Criteria: Invitae Variant Classification Sherloc (09022015). Collection method: clinical testing. Allele origin: germline.

CeGaT Center for Human Genetics Tuebingen
Classification: Likely benign. Last evaluated: 2025-02-01. Review status: criteria provided, single submitter. Criteria: CeGaT Center For Human Genetics Tuebingen Variant Classification Criteria Version 2. Collection method: clinical testing. Allele origin: germline. Affected: yes. Observed: 1 variant allele.
Comment: HERC1: BP4, BP7

Breakthrough Genomics
Classification: Benign. Review status: criteria provided, single submitter. Criteria: ACMG Guidelines, 2015. Collection method: not provided. Allele origin: germline. Inheritance: Autosomal recessive inheritance. Affected: yes.